The following is an entry in ClinVar:

NM_001130987.2(DYSF):c.1380+67G>A

Gene: DYSF (dysferlin; plus strand). Cytogenetic location: 2p13.2.
Variant type: single nucleotide variant.
Coding change: c.1380+67G>A on transcript NM_001130987.2 (MANE Select); 67 bases into the intron after coding-DNA position 1380, G replaced by A.
Molecular consequence: intron variant.
Genome position (GRCh38, 1-based): chr2:71,528,468, G>A. VCF-style: chr2-71528468-G-A. GRCh37 (hg19) VCF-style: chr2-71755598-G-A.
Other names: NC_000002.11:g.71755598G>A; c.1377+67G>A (NM_001130979.2, NM_001130981.2, NM_001130980.2); c.1284+67G>A (NM_001130978.2, NM_003494.4, NM_001130977.2 and 1 more transcripts); c.1380+67G>A (NM_001130982.2, NM_001130985.2); c.1287+67G>A (NM_001130983.2, NM_001130455.2, NM_001130984.2 and 1 more transcripts).
Identifiers: ClinVar variation 678975 (VCV000678975.3), dbSNP rs141275858, ClinGen allele CA49773504.

ClinVar aggregate classification (germline): Likely benign. Review status: criteria provided, multiple submitters, no conflicts (2 of 4 stars). 2 submissions from 2 submitters: Likely benign (2). Last evaluated 2018-06-19.

Allele frequency attached by ClinVar (database versions not stated): TOPMed 0.01110; 1000 Genomes Project 30x 0.01218; gnomAD exomes 0.00099; gnomAD 0.00953 and 0.01012; 1000 Genomes Project 0.01238.
gnomAD v4.1: 2,722 of 1,360,328 alleles (0.2%); highest among the groups gnomAD compares: African/African-American, 3.4%; 43 homozygotes.

Submissions (4):

GeneDx
Classification: Likely benign. Last evaluated: 2018-06-19. Review status: criteria provided, single submitter. Criteria: GeneDx Variant Classification (06012015). Collection method: clinical testing. Allele origin: germline. Affected: yes.
Comment: This variant is considered likely benign or benign based on one or more of the following criteria: it is a conservative change, it occurs at a poorly conserved position in the protein, it is predicted to be benign by multiple in silico algorithms, and/or has population frequency not consistent with disease.

Breakthrough Genomics
Classification: Likely benign. Review status: criteria provided, single submitter. Criteria: ACMG Guidelines, 2015. Collection method: not provided. Allele origin: germline. Inheritance: Autosomal recessive inheritance. Affected: yes.

Dr. Peter K. Rogan Lab, Western University
No classification provided (evidence only). Condition: Ovarian serous cystadenocarcinoma. Review status: no classification provided. Collection method: in vitro. Allele origin: not applicable. Functional consequence: retained intron. Not counted in ClinVar's aggregate classification.

Dr. Peter K. Rogan Lab, Western University
No classification provided (evidence only). Condition: Ovarian cancer. Review status: no classification provided. Collection method: in vitro. Allele origin: not applicable. Functional consequence: retained intron. Not counted in ClinVar's aggregate classification.